The following is an entry in ClinVar:

ClinVar aggregate classification (germline): Likely benign. Review status: criteria provided, single submitter (1 of 4 stars). 2 submissions from 2 submitters: Likely benign (1). 1 of the submissions does not count toward it. Last evaluated 2026-01-09.

Conditions:
NBEAL2-related disorder. Also called: NBEAL2-related condition.

Allele frequency attached by ClinVar (database versions not stated): gnomAD exomes 0.00002; ExAC 0.00005; TOPMed 0.00006; 1000 Genomes Project 0.00020; 1000 Genomes Project 30x 0.00031.

Submissions (2):

Labcorp Genetics (formerly Invitae), Labcorp
Classification: Likely benign. Last evaluated: 2026-01-09. Review status: criteria provided, single submitter. Criteria: Invitae Variant Classification Sherloc (09022015). Collection method: clinical testing. Allele origin: germline.

PreventionGenetics, part of Exact Sciences
Classification: Likely benign for NBEAL2-related condition. Last evaluated: 2019-06-20. Review status: no assertion criteria provided. Collection method: clinical testing. Allele origin: germline. Not counted in ClinVar's aggregate classification.
Comment: This variant is classified as likely benign based on ACMG/AMP sequence variant interpretation guidelines (Richards et al. 2015 PMID: 25741868, with internal and published modifications).

NM_015175.3(NBEAL2):c.5607C>T (p.Thr1869=)

Gene: NBEAL2 (neurobeachin like 2; plus strand). Cytogenetic location: 3p21.31.
Variant type: single nucleotide variant.
Coding change: c.5607C>T on transcript NM_015175.3 (MANE Select); coding-DNA position 5607, C replaced by T.
Protein change: p.Thr1869=; no amino-acid change (threonine 1869 retained).
Molecular consequence: synonymous variant.
Genome position (GRCh38, 1-based): chr3:47,003,196, C>T. VCF-style: chr3-47003196-C-T. GRCh37 (hg19) VCF-style: chr3-47044686-C-T.
Other names: c.5505C>T, p.Thr1835= (NM_001365116.2).
Identifiers: ClinVar variation 3044978 (VCV003044978.3), dbSNP rs554771844, ClinGen allele CA2361607.